The following is an entry in ClinVar:

ClinVar aggregate classification (germline): Uncertain significance (1 of 4 stars; one submission).

Submission:

GeneDx
Classification: Uncertain significance. Last evaluated: 2024-09-09. Review status: criteria provided, single submitter. Criteria: GeneDx Variant Classification Process June 2021. Collection method: clinical testing. Allele origin: germline. Affected: yes.
Comment: Not observed at significant frequency in large population cohorts (gnomAD); In silico analysis supports that this missense variant has a deleterious effect on protein structure/function; Has not been previously published as pathogenic or benign to our knowledge

NM_001256012.3(MYH10):c.3178A>G (p.Arg1060Gly)

Gene: MYH10 (myosin heavy chain 10; minus strand). Cytogenetic location: 17p13.1.
Variant type: single nucleotide variant.
Coding change: c.3178A>G on transcript NM_001256012.3 (MANE Select); coding-DNA position 3178, A replaced by G.
Protein change: p.Arg1060Gly; replaces arginine 1060 with glycine.
Molecular consequence: missense variant.
Genome position (GRCh38, 1-based): chr17:8,508,590, T>C on the plus strand (A>G on the coding strand, the complement: MYH10 is on the minus strand). VCF-style: chr17-8508590-T-C. GRCh37 (hg19) VCF-style: chr17-8411908-T-C.
Other names: c.3112A>G, p.Arg1038Gly (NM_001256095.2); c.3115A>G, p.Arg1039Gly (NM_001375266.1); c.3085A>G, p.Arg1029Gly (NM_005964.5); short protein forms R1029G, R1038G, R1039G, R1060G.
Identifiers: ClinVar variation 3767797 (VCV003767797.1).